The following is an entry in ClinVar:

NM_015978.3(TNNI3K):c.2189C>G (p.Ser730Cys)

Genes: FPGT-TNNI3K (FPGT-TNNI3K readthrough; plus strand), LRRC53 (leucine rich repeat containing 53; minus strand), TNNI3K (TNNI3 interacting kinase; plus strand). Cytogenetic location: 1p31.1.
Variant type: single nucleotide variant.
Coding change: c.2189C>G on transcript NM_015978.3 (MANE Select); coding-DNA position 2189, C replaced by G.
Protein change: p.Ser730Cys; replaces serine 730 with cysteine.
Molecular consequence: missense variant. On other transcripts: intron variant (2).
Genome position (GRCh38, 1-based): chr1:74,492,104, C>G. VCF-style: chr1-74492104-C-G. GRCh37 (hg19) VCF-style: chr1-74957788-C-G.
Other names: c.2492C>G, p.Ser831Cys (NM_001112808.3); c.-8-11136G>C (NM_001364666.2); c.-26-8729G>C (NM_001382280.1); short protein forms S730C, S831C.
Identifiers: ClinVar variation 2701579 (VCV002701579.3), dbSNP rs2100304409, ClinGen allele CA340799055.

ClinVar aggregate classification (germline): Uncertain significance (1 of 4 stars; one submission).

Allele frequency attached by ClinVar (database versions not stated): gnomAD exomes below 0.00001.
gnomAD v4.1: 1 of 1,603,544 alleles (0.000062%); highest among the groups gnomAD compares: Non-Finnish European, 0.000085%; no homozygotes.

Submission:

Labcorp Genetics (formerly Invitae), Labcorp
Classification: Uncertain significance. Last evaluated: 2023-11-13. Review status: criteria provided, single submitter. Criteria: Invitae Variant Classification Sherloc (09022015). Collection method: clinical testing. Allele origin: germline.
Comment: This sequence change replaces serine, which is neutral and polar, with cysteine, which is neutral and slightly polar, at codon 730 of the TNNI3K protein (p.Ser730Cys). This variant is not present in population databases (gnomAD no frequency). This variant has not been reported in the literature in individuals affected with TNNI3K-related conditions. An algorithm developed to predict the effect of missense changes on protein structure and function (PolyPhen-2) suggests that this variant is likely to be disruptive. In summary, the available evidence is currently insufficient to determine the role of this variant in disease. Therefore, it has been classified as a Variant of Uncertain Significance.